The following is an entry in ClinVar:

NM_177438.3(DICER1):c.3328A>G (p.Ile1110Val)

Gene: DICER1 (dicer 1, ribonuclease III; minus strand). Cytogenetic location: 14q32.13.
Variant type: single nucleotide variant.
Coding change: c.3328A>G on transcript NM_177438.3 (MANE Select); coding-DNA position 3328, A replaced by G.
Protein change: p.Ile1110Val; replaces isoleucine 1110 with valine.
Molecular consequence: missense variant.
Genome position (GRCh38, 1-based): chr14:95,104,068, T>C on the plus strand (A>G on the coding strand, the complement: DICER1 is on the minus strand). VCF-style: chr14-95104068-T-C. GRCh37 (hg19) VCF-style: chr14-95570405-T-C.
Other names: c.3328A>G, p.Ile1110Val (NM_001195573.1, NM_001271282.3, NM_001291628.2 and 1 more transcripts); short protein forms I1110V.
Identifiers: ClinVar variation 575471 (VCV000575471.14), dbSNP rs1566769439, ClinGen allele CA390875890.

ClinVar aggregate classification (germline): Conflicting classifications of pathogenicity. Review status: criteria provided, conflicting classifications (1 of 4 stars). 3 submissions from 3 submitters: Uncertain significance (2); Likely benign (1). Last evaluated 2025-10-17.

Conditions:
DICER1-related tumor predisposition. Also called: DICER1 syndrome; DICER1-related pleuropulmonary blastoma cancer predisposition syndrome. Identifiers: Orphanet 284343, MedGen C3839822, MONDO:0100216.
Hereditary cancer-predisposing syndrome. Also called: Hereditary neoplastic syndrome; Tumor predisposition; Hereditary Cancer Syndrome; Neoplastic Syndromes, Hereditary. Identifiers: Orphanet 140162, MedGen C0027672, MeSH D009386, MONDO:0015356.

Allele frequency attached by ClinVar (database versions not stated): gnomAD exomes below 0.00001.
gnomAD v4.1: 7 of 1,614,038 alleles (0.00043%); highest among the groups gnomAD compares: East Asian, 0.0022%; no homozygotes.

Submissions (3):

Ambry Genetics
Classification: Uncertain significance for Hereditary cancer-predisposing syndrome. Last evaluated: 2025-10-17. Review status: criteria provided, single submitter. Criteria: Ambry Variant Classification Scheme 2023. Collection method: clinical testing. Allele origin: germline.
Comment: The p.I1110V variant (also known as c.3328A>G), located in coding exon 20 of the DICER1 gene, results from an A to G substitution at nucleotide position 3328. The isoleucine at codon 1110 is replaced by valine, an amino acid with highly similar properties. This amino acid position is not well conserved in available vertebrate species. In addition, this alteration is predicted to be tolerated by in silico analysis. Since supporting evidence is limited at this time, the clinical significance of this alteration remains unclear.

Labcorp Genetics (formerly Invitae), Labcorp
Classification: Uncertain significance for DICER1-related tumor predisposition. Last evaluated: 2024-12-12. Review status: criteria provided, single submitter. Criteria: Invitae Variant Classification Sherloc (09022015). Collection method: clinical testing. Allele origin: germline.
Comment: This sequence change replaces isoleucine, which is neutral and non-polar, with valine, which is neutral and non-polar, at codon 1110 of the DICER1 protein (p.Ile1110Val). This variant is not present in population databases (gnomAD no frequency). This missense change has been observed in individual(s) with Wilms tumor (PMID: 23620094). ClinVar contains an entry for this variant (Variation ID: 575471). Invitae Evidence Modeling of protein sequence and biophysical properties (such as structural, functional, and spatial information, amino acid conservation, physicochemical variation, residue mobility, and thermodynamic stability) indicates that this missense variant is not expected to disrupt DICER1 protein function with a negative predictive value of 95%. RNA analysis performed to evaluate the impact of this missense change on mRNA splicing indicates it does not significantly alter splicing (internal data). In summary, the available evidence is currently insufficient to determine the role of this variant in disease. Therefore, it has been classified as a Variant of Uncertain Significance.

Foulkes Cancer Genetics LDI, Lady Davis Institute for Medical Research
Classification: Likely benign. Last evaluated: 2019-07-01. Review status: criteria provided, single submitter. Criteria: ACMG Guidelines, 2015. Collection method: curation. Allele origin: unknown. Affected: yes. Observed: 1 variant allele.
Comment: ACMG criteria met: PM2, BP1, BP4

Literature cited by the submitters: PubMed 23620094 (cited by Labcorp Genetics (formerly Invitae), Labcorp and Foulkes Cancer Genetics LDI, Lady Davis Institute for Medical Research).